The following is an entry in ClinVar:

ClinVar aggregate classification (germline): Uncertain significance (1 of 4 stars; one submission).

Conditions:
Inborn genetic diseases. Identifiers: MedGen C0950123, MeSH D030342.

gnomAD v4.1: 9 of 1,613,922 alleles (0.00056%); highest among the groups gnomAD compares: Admixed American, 0.0033%; no homozygotes.

Submission:

Ambry Genetics
Classification: Uncertain significance for Inborn genetic diseases. Last evaluated: 2026-05-17. Review status: criteria provided, single submitter. Criteria: Ambry Variant Classification Scheme 2023. Collection method: clinical testing. Allele origin: germline.
Comment: The p.R341H variant (also known as c.1022G>A), located in coding exon 7 of the F5 gene, results from a G to A substitution at nucleotide position 1022. The arginine at codon 341 is replaced by histidine, an amino acid with highly similar properties. This amino acid position is conserved. In addition, the in silico prediction for this alteration is inconclusive. Based on the available evidence, the clinical significance of this variant remains unclear.

NM_000130.5(F5):c.1022G>A (p.Arg341His)

Gene: F5 (coagulation factor V; minus strand). Cytogenetic location: 1q24.2.
Variant type: single nucleotide variant.
Coding change: c.1022G>A on transcript NM_000130.5 (MANE Select); coding-DNA position 1022, G replaced by A.
Protein change: p.Arg341His; replaces arginine 341 with histidine.
Molecular consequence: missense variant.
Genome position (GRCh38, 1-based): chr1:169,555,278, C>T on the plus strand (G>A on the coding strand, the complement: F5 is on the minus strand). VCF-style: chr1-169555278-C-T. GRCh37 (hg19) VCF-style: chr1-169524516-C-T.
Other names: short protein forms R341H.
Identifiers: ClinVar variation 4870743 (VCV004870743.1).